The following continues an entry in ClinVar:

NM_206933.4(USH2A):c.13339A>G (p.Met4447Val)

Gene: USH2A. ClinVar aggregate classification (germline): Conflicting classifications of pathogenicity. Pathogenic (4); Likely pathogenic (9); Uncertain significance (4).

Submissions 13 to 19 of 19:

Dept Of Ophthalmology, Nagoya University
Classification: Likely pathogenic for Retinal dystrophy. Last evaluated: 2023-10-01. Review status: criteria provided, single submitter. Criteria: Submitter's publication. Collection method: research. Allele origin: germline. Affected: yes.

Blueprint Genetics
Classification: Pathogenic for USH2A-related disorders. Last evaluated: 2022-11-01. Review status: criteria provided, single submitter. Criteria: ACMG Guidelines, 2015. Collection method: clinical testing. Allele origin: germline. Affected: yes. Observed: 5 variant alleles.

Ocular Genomics Institute, Massachusetts Eye and Ear
Classification: Uncertain significance for Retinitis pigmentosa 39. Last evaluated: 2021-04-08. Review status: criteria provided, single submitter. Criteria: ACMG Guidelines, 2015. Collection method: research. Allele origin: germline. Affected: yes.
Comment: Through a review of available evidence we were able to apply the following criteria: PM2. Based on this evidence we have classified this variant as Variant of Uncertain Significance.

Broad Center for Mendelian Genomics, Broad Institute of MIT and Harvard
Classification: Uncertain significance for Retinitis pigmentosa. Last evaluated: 2021-04-01. Review status: criteria provided, single submitter. Criteria: ACMG Guidelines, 2015. Collection method: curation. Allele origin: germline. Inheritance: Autosomal recessive inheritance. Affected: yes.
Comment: Through a review of available evidence we were able to apply the following criteria: PM2. Based on this evidence we have classified this variant as a Variant of Uncertain Significance. If you have any questions about the classification please reach out to the Pierce Lab.

Juno Genomics, Hangzhou Juno Genomics, Inc
Classification: Likely pathogenic for Retinitis pigmentosa 39; Usher syndrome type 2A. Review status: criteria provided, single submitter. Criteria: ACMG Guidelines, 2015. Collection method: clinical testing. Allele origin: germline.
Comment: For recessive disorders, detected in trans with a pathogenic variant.;Multiple lines of computational evidence suggest no impact on gene or gene product.

Sharon lab, Hadassah-Hebrew University Medical Center
Classification: Likely pathogenic for Retinitis pigmentosa. Last evaluated: 2019-06-23. Review status: no assertion criteria provided. Collection method: research. Allele origin: inherited. Affected: yes. Not counted in ClinVar's aggregate classification.

Counsyl
Classification: Uncertain significance for Usher syndrome type 2A; Retinitis pigmentosa 39. Last evaluated: 2017-09-27. Review status: no assertion criteria provided. Collection method: clinical testing. Allele origin: unknown. Not counted in ClinVar's aggregate classification.

Literature cited by the submitters: PubMed 32188678 (cited by Women's Health and Genetics/Laboratory Corporation of America, LabCorp); PubMed 33124170 (cited by Women's Health and Genetics/Laboratory Corporation of America, LabCorp and Natera, Inc.); PubMed 36729443 (cited by Women's Health and Genetics/Laboratory Corporation of America, LabCorp); PubMed 36034145 (cited by Women's Health and Genetics/Laboratory Corporation of America, LabCorp); PubMed 39596236 (cited by Women's Health and Genetics/Laboratory Corporation of America, LabCorp); PubMed 41060150 (cited by Women's Health and Genetics/Laboratory Corporation of America, LabCorp); PubMed 29625443 (cited by 3 submitters); PubMed 31872526 (cited by 3 submitters); PubMed 31960602 (cited by Labcorp Genetics (formerly Invitae), Labcorp); PubMed 33090715 (cited by Natera, Inc.); PubMed 24938718 (cited by 3 submitters); PubMed 23661368 (cited by 3 submitters); PubMed 20507924 (cited by 3 submitters); PubMed 34906470 (cited by Broad Center for Mendelian Genomics, Broad Institute of MIT and Harvard).